The following is an entry in ClinVar:

NM_033400.3(ZFHX2):c.1089G>A (p.Ser363=)

Genes: THTPA (thiamine triphosphatase; plus strand), ZFHX2 (zinc finger homeobox 2; minus strand). Cytogenetic location: 14q11.2.
Variant type: single nucleotide variant.
Coding change: c.1089G>A on transcript NM_033400.3 (MANE Select); coding-DNA position 1089, G replaced by A.
Protein change: p.Ser363=; no amino-acid change (serine 363 retained).
Molecular consequence: synonymous variant.
Genome position (GRCh38, 1-based): chr14:23,534,237, C>T on the plus strand (G>A on the coding strand, the complement: ZFHX2 is on the minus strand). VCF-style: chr14-23534237-C-T. GRCh37 (hg19) VCF-style: chr14-24003446-C-T.
Identifiers: ClinVar variation 3035076 (VCV003035076.2), dbSNP rs377374654, ClinGen allele CA7117136.

ClinVar aggregate classification (germline): Likely benign (0 of 4 stars; one submission).

Conditions:
ZFHX2-related disorder. Also called: ZFHX2-related condition.

Allele frequency attached by ClinVar (database versions not stated): gnomAD 0.00003; TOPMed 0.00003; 1000 Genomes Project 0.00020; 1000 Genomes Project 30x 0.00031; ExAC 0.00041.
gnomAD v4.1: 62 of 1,520,258 alleles (0.0041%); highest among the groups gnomAD compares: East Asian, 0.096%; no homozygotes.

Submission:

PreventionGenetics, part of Exact Sciences
Classification: Likely benign for ZFHX2-related condition. Last evaluated: 2019-07-30. Review status: no assertion criteria provided. Collection method: clinical testing. Allele origin: germline.
Comment: This variant is classified as likely benign based on ACMG/AMP sequence variant interpretation guidelines (Richards et al. 2015 PMID: 25741868, with internal and published modifications).